The following is an entry in ClinVar:

ClinVar aggregate classification (germline): Uncertain significance. Review status: criteria provided, multiple submitters, no conflicts (2 of 4 stars). 2 submissions from 2 submitters: Uncertain significance (2). Last evaluated 2023-09-12.

Conditions:
Congenital neutropenia-myelofibrosis-nephromegaly syndrome. Also called: Severe congenital neutropenia 5, autosomal recessive. Identifiers: Orphanet 369852, MedGen C3809031, MONDO:0014118, OMIM 615285.
Inborn genetic diseases. Identifiers: MedGen C0950123, MeSH D030342.

Allele frequency attached by ClinVar (database versions not stated): TOPMed below 0.00001; gnomAD 0.00001; gnomAD exomes 0.00001.
gnomAD v4.1: 17 of 1,613,928 alleles (0.0011%); highest among the groups gnomAD compares: Non-Finnish European, 0.000085%; no homozygotes.

Submissions (2):

Ambry Genetics
Classification: Uncertain significance for Inborn genetic diseases. Last evaluated: 2023-09-12. Review status: criteria provided, single submitter. Criteria: Ambry Variant Classification Scheme 2023. Collection method: clinical testing. Allele origin: germline.

Labcorp Genetics (formerly Invitae), Labcorp
Classification: Uncertain significance for Congenital neutropenia-myelofibrosis-nephromegaly syndrome. Last evaluated: 2021-08-20. Review status: criteria provided, single submitter. Criteria: Invitae Variant Classification Sherloc (09022015). Collection method: clinical testing. Allele origin: germline.
Comment: This sequence change replaces leucine with phenylalanine at codon 142 of the VPS45 protein (p.Leu142Phe). The leucine residue is moderately conserved and there is a small physicochemical difference between leucine and phenylalanine. This variant is not present in population databases (ExAC no frequency). This variant has not been reported in the literature in individuals affected with VPS45-related conditions. Algorithms developed to predict the effect of missense changes on protein structure and function (SIFT, PolyPhen-2, Align-GVGD) all suggest that this variant is likely to be tolerated. In summary, the available evidence is currently insufficient to determine the role of this variant in disease. Therefore, it has been classified as a Variant of Uncertain Significance.

NM_007259.5(VPS45):c.426G>C (p.Leu142Phe)

Gene: VPS45 (vacuolar protein sorting 45 homolog; plus strand). Cytogenetic location: 1q21.2.
Variant type: single nucleotide variant.
Coding change: c.426G>C on transcript NM_007259.5 (MANE Select); coding-DNA position 426, G replaced by C.
Protein change: p.Leu142Phe; replaces leucine 142 with phenylalanine.
Molecular consequence: missense variant. On other transcripts: intron variant (1).
Genome position (GRCh38, 1-based): chr1:150,076,972, G>C. VCF-style: chr1-150076972-G-C. GRCh37 (hg19) VCF-style: chr1-150049050-G-C.
Other names: c.318G>C, p.Leu106Phe (NM_001279354.2); c.261+660G>C (NM_001279353.2); c.426G>C (NM_007259.3); short protein forms L106F, L142F.
Identifiers: ClinVar variation 2198879 (VCV002198879.3), dbSNP rs1553798226, ClinGen allele CA342263801.
Genomic context (GRCh38, chr1:150,076,972, plus strand): 5'-GCAGGAATTTTATGGTGATTACATTGCTGTGAACCCACATTTGTTTTCCCTCAATATTTT[G>C]GGTTGCTGCCAGGTATGGAAGGAAAGGTTTAATTTATCAGTCGAGAGTTAATTCAGCAAA-3'
Protein context (NP_009190.2, residues 132-152): VNPHLFSLNI[Leu142Phe]GCCQGRNWDP